The following is an entry in ClinVar:

ClinVar aggregate classification (germline): Pathogenic (1 of 4 stars; one submission).

Conditions:
Leber congenital amaurosis (LCA). Also called: Leber's amaurosis. Identifiers: Orphanet 65, MedGen C0339527, MeSH D057130, MONDO:0018998.

Submission:

Natera, Inc.
Classification: Pathogenic for Leber congenital amaurosis. Last evaluated: 2024-04-11. Review status: criteria provided, single submitter. Criteria: Natera Variant Classification Schema (03/2026). Collection method: clinical testing. Allele origin: germline.
Comment: The c.2052+1G>T variant in CEP290 is a canonical splice donor site variant predicted to affect pre-mRNA splicing, which may result in an abnormal transcript and altered protein product. This variant is expected to result in nonsense mediated decay, truncation, or a dysfunctional protein product. This variant is rare in the general population with a frequency below the threshold expected for the associated phenotype(s). Another variant at this same site results in an alteration predicted to cause a similar molecular effect has been observed in individual(s) with the associated phenotype. Given the available evidence, this variant is classified as Pathogenic.

NM_025114.4(CEP290):c.2052+1G>T

Gene: CEP290 (centrosomal protein 290; minus strand). Cytogenetic location: 12q21.32.
Variant type: single nucleotide variant.
Coding change: c.2052+1G>T on transcript NM_025114.4 (MANE Select); the canonical splice donor site of the intron after coding-DNA position 2052, G replaced by T.
Molecular consequence: splice donor variant.
Genome position (GRCh38, 1-based): chr12:88,114,419, C>A on the plus strand (G>T on the coding strand, the complement: CEP290 is on the minus strand). VCF-style: chr12-88114419-C-A. GRCh37 (hg19) VCF-style: chr12-88508196-C-A.
Identifiers: ClinVar variation 4816195 (VCV004816195.1).